The following is an entry in ClinVar:

NM_002495.4(NDUFS4):c.12_13delinsCC (p.Ser5Pro)

Genes: NDUFS4 (NADH:ubiquinone oxidoreductase subunit S4; plus strand), LOC129993885 (ATAC-STARR-seq lymphoblastoid active region 22547; plus strand). Cytogenetic location: 5q11.2.
Variant type: Indel.
Coding change: c.12_13delinsCC on transcript NM_002495.4 (MANE Select); coding-DNA positions 12 to 13, GT replaced by CC.
Protein change: p.Ser5Pro; replaces serine 5 with proline.
Molecular consequence: missense variant. On other transcripts: non-coding transcript variant (3).
Genome position (GRCh38, 1-based): chr5:53,560,674-53,560,675, GT replaced by CC. VCF-style: chr5-53560674-GT-CC. GRCh37 (hg19) VCF-style: chr5-52856504-GT-CC.
Other names: c.12_13delinsCC, p.Ser5Pro (NM_001318051.2); short protein forms S5P.
Identifiers: ClinVar variation 2189938 (VCV002189938.1), dbSNP rs2478566128, ClinGen allele CA2580073315.

ClinVar aggregate classification (germline): Uncertain significance (1 of 4 stars; one submission).

Submission:

Labcorp Genetics (formerly Invitae), Labcorp
Classification: Uncertain significance. Last evaluated: 2022-10-13. Review status: criteria provided, single submitter. Criteria: Invitae Variant Classification Sherloc (09022015). Collection method: clinical testing. Allele origin: germline.
Comment: This sequence change replaces serine, which is neutral and polar, with proline, which is neutral and non-polar, at codon 5 of the NDUFS4 protein (p.Ser5Pro). Information on the frequency of this variant in the gnomAD database is not available, as this variant may be reported differently in the database. This variant has not been reported in the literature in individuals affected with NDUFS4-related conditions. Experimental studies and prediction algorithms are not available or were not evaluated, and the functional significance of this variant is currently unknown. In summary, the available evidence is currently insufficient to determine the role of this variant in disease. Therefore, it has been classified as a Variant of Uncertain Significance.